The following is an entry in ClinVar:

ClinVar aggregate classification (germline): Pathogenic (1 of 4 stars; one submission).

Conditions:
Familial adenomatous polyposis 3. Also called: NTHL1-Related Adenomatous Polyposis and Colorectal Cancer; NTHL1 Tumor Syndrome; NTHL1-related attenuated familial adenomatous polyposis; NTHL1-associated polyposis. Identifiers: Orphanet 220460, Orphanet 454840, MedGen C4225157, MONDO:0014630, OMIM 616415.

Submission:

Myriad Genetics, Inc.
Classification: Pathogenic for Familial adenomatous polyposis 3. Last evaluated: 2023-09-27. Review status: criteria provided, single submitter. Criteria: Myriad Autosomal Dominant, Autosomal Recessive and X-Linked Classification Criteria (2023). Collection method: clinical testing. Allele origin: unknown.
Comment: This variant is considered pathogenic. This variant creates a frameshift predicted to result in premature protein truncation.

NM_002528.7(NTHL1):c.730_731del (p.Thr244fs)

Gene: NTHL1 (nth like DNA glycosylase 1; minus strand). Cytogenetic location: 16p13.3.
Variant type: Deletion.
Coding change: c.730_731del on transcript NM_002528.7 (MANE Select); coding-DNA positions 730 to 731, 2 bases deleted (AC; older notation c.730_731delAC).
Protein change: p.Thr244fs; shifts the reading frame from threonine 244.
Molecular consequence: frameshift variant.
Genome position (GRCh38, 1-based): chr16:2,040,193-2,040,194, GT deleted on the plus strand (AC on the coding strand, the reverse complement: NTHL1 is on the minus strand). VCF-style (leftmost placement, unchanged base first): chr16-2040192-GGT-G. GRCh37 (hg19) VCF-style: chr16-2090193-GGT-G.
Other names: c.559_560del, p.Thr187fs (NM_001318193.2); c.400_401del, p.Thr134fs (NM_001318194.2); short protein forms T134fs, T187fs, T244fs.
Identifiers: ClinVar variation 2673822 (VCV002673822.1), dbSNP rs2548311973, ClinGen allele CA2695197413.